The following is an entry in ClinVar:

ClinVar aggregate classification (germline): Uncertain significance (1 of 4 stars; one submission).

Conditions:
Inborn genetic diseases. Identifiers: MedGen C0950123, MeSH D030342.

Submission:

Ambry Genetics
Classification: Uncertain significance for Inborn genetic diseases. Last evaluated: 2025-08-22. Review status: criteria provided, single submitter. Criteria: Ambry Variant Classification Scheme 2023. Collection method: clinical testing. Allele origin: germline.
Comment: The p.N1981I variant (also known as c.5942A>T), located in coding exon 22 of the FANCM gene, results from an A to T substitution at nucleotide position 5942. The asparagine at codon 1981 is replaced by isoleucine, an amino acid with dissimilar properties. This amino acid position is conserved. In addition, this alteration is predicted to be tolerated by in silico analysis. Based on the available evidence, the clinical significance of this variant remains unclear.

NM_020937.4(FANCM):c.5942A>T (p.Asn1981Ile)

Gene: FANCM (FA complementation group M; plus strand). Cytogenetic location: 14q21.2.
Variant type: single nucleotide variant.
Coding change: c.5942A>T on transcript NM_020937.4 (MANE Select); coding-DNA position 5942, A replaced by T.
Protein change: p.Asn1981Ile; replaces asparagine 1981 with isoleucine.
Molecular consequence: missense variant.
Genome position (GRCh38, 1-based): chr14:45,198,869, A>T. VCF-style: chr14-45198869-A-T. GRCh37 (hg19) VCF-style: chr14-45668072-A-T.
Other names: c.5864A>T, p.Asn1955Ile (NM_001308133.2); short protein forms N1955I, N1981I.
Identifiers: ClinVar variation 4254694 (VCV004254694.1).
Genomic context (GRCh38, chr14:45,198,869, plus strand): 5'-TTCCAACAGTGGTGAATAGTAATAAAAGTGAGGCACTCCAGTTTTATTTAAGTATTCCCA[A>T]TATAAGTTATATAACTGCATTAAATATGTGTCACCAGTTTTCATCTGTGAAAAGGATGGC-3'
Protein context (NP_065988.1, residues 1971-1991): EALQFYLSIP[Asn1981Ile]ISYITALNMC